The following is an entry in ClinVar:

NM_058246.4(DNAJB6):c.279C>G (p.Phe93Leu)

Gene: DNAJB6 (DnaJ heat shock protein family (Hsp40) member B6; plus strand). Cytogenetic location: 7q36.3.
Variant type: single nucleotide variant.
Coding change: c.279C>G on transcript NM_058246.4 (MANE Select); coding-DNA position 279, C replaced by G.
Protein change: p.Phe93Leu; replaces phenylalanine 93 with leucine.
Molecular consequence: missense variant.
Genome position (GRCh38, 1-based): chr7:157,367,416, C>G. VCF-style: chr7-157367416-C-G. GRCh37 (hg19) VCF-style: chr7-157160110-C-G.
Other names: DNAJB6, PHE93LEU, 279C-G; c.279C>G, p.Phe93Leu (NM_001363676.1, NM_005494.3); short protein forms F93L.
Identifiers: ClinVar variation 31529 (VCV000031529.52), dbSNP rs149278319, ClinGen allele CA260014.

ClinVar aggregate classification (germline): Pathogenic. Review status: criteria provided, multiple submitters, no conflicts (2 of 4 stars). 9 submissions from 9 submitters: Pathogenic (8). 1 of the submissions does not count toward it. Last evaluated 2025-08-12.

Conditions:
Autosomal dominant limb-girdle muscular dystrophy type 1D (DNAJB6) (LGMDD1). Also called: MUSCULAR DYSTROPHY, LIMB-GIRDLE, TYPE 1D; Autosomal dominant limb-girdle muscular dystrophy type 1D; Muscular dystrophy, limb-girdle, autosomal dominant 1; MUSCULAR DYSTROPHY, AUTOSOMAL DOMINANT, WITH RIMMED VACUOLES. Identifiers: Orphanet 34516, MedGen C4721885, MONDO:0021018, OMIM 603511.

Submissions (9):

Labcorp Genetics (formerly Invitae), Labcorp
Classification: Pathogenic for Autosomal dominant limb-girdle muscular dystrophy type 1D (DNAJB6). Last evaluated: 2025-08-12. Review status: criteria provided, single submitter. Criteria: Invitae Variant Classification Sherloc (09022015). Collection method: clinical testing. Allele origin: germline.
Comment: This sequence change replaces phenylalanine, which is neutral and non-polar, with leucine, which is neutral and non-polar, at codon 93 of the DNAJB6 protein (p.Phe93Leu). This variant is not present in population databases (gnomAD no frequency). This missense change has been observed in individuals with autosomal dominant limb-girdle muscular dystrophy (PMID: 22334415, 26205529, 26847086, 28794355). It has also been observed to segregate with disease in related individuals. ClinVar contains an entry for this variant (Variation ID: 31529). Invitae Evidence Modeling of protein sequence and biophysical properties (such as structural, functional, and spatial information, amino acid conservation, physicochemical variation, residue mobility, and thermodynamic stability) indicates that this missense variant is expected to disrupt DNAJB6 protein function with a positive predictive value of 80%. Experimental studies have shown that this missense change affects DNAJB6 function (PMID: 26847086). For these reasons, this variant has been classified as Pathogenic.

Mayo Clinic Laboratories, Mayo Clinic
Classification: Pathogenic. Last evaluated: 2024-05-01. Review status: criteria provided, single submitter. Criteria: ACMG Guidelines, 2015. Collection method: clinical testing. Allele origin: germline. Observed: 1 variant allele.
Comment: PP1_strong, PM1, PM2, PS3, PS4

Institute of Human Genetics Munich, TUM University Hospital
Classification: Pathogenic for Autosomal dominant limb-girdle muscular dystrophy type 1D (DNAJB6). Last evaluated: 2022-10-11. Review status: criteria provided, single submitter. Criteria: Classification criteria August 2017. Collection method: clinical testing. Allele origin: germline. Inheritance: Autosomal dominant inheritance. Affected: yes. Observed: 1 variant allele.

CeGaT Center for Human Genetics Tuebingen
Classification: Pathogenic. Last evaluated: 2022-03-01. Review status: criteria provided, single submitter. Criteria: CeGaT Center For Human Genetics Tuebingen Variant Classification Criteria Version 2. Collection method: clinical testing. Allele origin: germline. Affected: yes. Observed: 2 variant alleles.
Comment: DNAJB6: PS1, PM2, PM5, PP3, PS3:Supporting

Athena Diagnostics
Classification: Pathogenic. Last evaluated: 2021-07-09. Review status: criteria provided, single submitter. Criteria: Athena Diagnostics Criteria. Collection method: clinical testing. Allele origin: unknown.
Comment: This variant has not been reported in large, multi-ethnic general populations. This variant has been identified in multiple unrelated individuals with clinical features associated with this gene. Assessment of experimental evidence suggests this variant results in abnormal protein function. In vitro and in vivo experiments showed that this variant has a dominant toxic effect on the wild-type protein (PMID: 22366786).

Revvity Omics, Revvity
Classification: Pathogenic for Autosomal dominant limb-girdle muscular dystrophy type 1D (DNAJB6). Last evaluated: 2020-09-10. Review status: criteria provided, single submitter. Criteria: ACMG Guidelines, 2015. Collection method: clinical testing. Allele origin: germline.

GeneDx
Classification: Pathogenic. Last evaluated: 2017-06-15. Review status: criteria provided, single submitter. Criteria: GeneDx Variant Classification (06012015). Collection method: clinical testing. Allele origin: germline. Affected: yes.
Comment: The pathogenic F93L variant in the DNAJB6 gene has been reported multiple times in association with LGMD1D (Sarparanta et al., 2012; Sato et al., 2013; Sandell et al., 2016). Functional studies indicate that F93L increases the half-life of DNAJB6, which results in the toxic aggregation of DNAJB6 protein and its binding partners (Sarparanta et al., 2012). The F93L variant is not observed in large population cohorts (Lek et al., 2016; 1000 Genomes Consortium et al., 2015; Exome Variant Server). Although F93L is a conservative amino acid substitution, which is not likely to impact secondary protein structure as these residues share similar properties, this substitution occurs at a position that is conserved across species. Additionally, missense variants in the same residue (F93I) and in nearby residues (F89I; F91I; P96R) have been reported in the Human Gene Mutation Database in association with myopathy (Stenson et al., 2014), supporting the functional importance of this region of the protein. Therefore, we interpret F93L as a pathogenic variant, and its presence is consistent with a diagnosis of LGMD1D.

Eurofins Ntd Llc (ga)
Classification: Pathogenic. Last evaluated: 2016-09-15. Review status: criteria provided, single submitter. Criteria: EGL Classification Definitions 2015. Collection method: clinical testing. Allele origin: germline. Observed: 3 variant alleles, 3 heterozygotes.

OMIM
Classification: Pathogenic for MUSCULAR DYSTROPHY, LIMB-GIRDLE, AUTOSOMAL DOMINANT 1. Last evaluated: 2012-02-26. Review status: no assertion criteria provided. Collection method: literature only. Allele origin: germline. Not counted in ClinVar's aggregate classification.

Literature cited by the submitters: PubMed 22334415 (cited by 3 submitters); PubMed 26205529 (cited by 5 submitters); PubMed 26847086 (cited by 3 submitters); PubMed 28794355 (cited by 3 submitters); PubMed 22366786 (cited by 4 submitters); PubMed 23394708 (cited by Mayo Clinic Laboratories, Mayo Clinic and Athena Diagnostics); PubMed 25306414 (cited by Mayo Clinic Laboratories, Mayo Clinic and Athena Diagnostics); PubMed 26362252 (cited by Mayo Clinic Laboratories, Mayo Clinic and Athena Diagnostics); PubMed 32528171 (cited by Mayo Clinic Laboratories, Mayo Clinic and Athena Diagnostics); PubMed 24920671 (cited by Athena Diagnostics and Eurofins Ntd Llc (ga)); PubMed 21376592 (cited by Athena Diagnostics and OMIM); PubMed 31955980 (cited by Athena Diagnostics); PubMed 29437287 (cited by Athena Diagnostics); PubMed 20682716 (cited by OMIM).